The following is an entry in ClinVar:

NM_000726.5(CACNB4):c.1355G>A (p.Arg452Lys)

Gene: CACNB4 (calcium voltage-gated channel auxiliary subunit beta 4; minus strand). Cytogenetic location: 2q23.3.
Variant type: single nucleotide variant.
Coding change: c.1355G>A on transcript NM_000726.5 (MANE Select); coding-DNA position 1355, G replaced by A.
Protein change: p.Arg452Lys; replaces arginine 452 with lysine.
Molecular consequence: missense variant.
Genome position (GRCh38, 1-based): chr2:151,839,327, C>T on the plus strand (G>A on the coding strand, the complement: CACNB4 is on the minus strand). VCF-style: chr2-151839327-C-T. GRCh37 (hg19) VCF-style: chr2-152695841-C-T.
Other names: p.R452K:AGA>AAA; c.1301G>A, p.Arg434Lys (NM_001005746.4); c.1253G>A, p.Arg418Lys (NM_001005747.4); c.1169G>A, p.Arg390Lys (NM_001145798.3); c.1214G>A, p.Arg405Lys (NM_001320722.3, NM_001330118.2); c.1112G>A, p.Arg371Lys (NM_001330113.2); c.701G>A, p.Arg234Lys (NM_001330114.2); c.1064G>A, p.Arg355Lys (NM_001330115.2); and 2 more; short protein forms R452K, R342K, R355K, R390K, R418K, R266K, R434K, R405K.
Identifiers: ClinVar variation 204935 (VCV000204935.17), dbSNP rs762394421, ClinGen allele CA313397.

ClinVar aggregate classification (germline): Conflicting classifications of pathogenicity. Review status: criteria provided, conflicting classifications (1 of 4 stars). 4 submissions from 4 submitters: Uncertain significance (3); Likely benign (1). Last evaluated 2025-10-13.

Conditions:
Epilepsy, idiopathic generalized, susceptibility to, 9. Identifiers: Orphanet 307, MedGen C2750887, MONDO:0011892, OMIM 607682.
Episodic ataxia type 5. Identifiers: Orphanet 211067, MedGen C1866039, MONDO:0013464, OMIM 613855.
Idiopathic generalized epilepsy. Also called: EIG; Generalised epilepsy. Identifiers: MedGen C0270850, MONDO:0005579, OMIM 600669.

Allele frequency attached by ClinVar (database versions not stated): gnomAD exomes 0.00001 and 0.00004; ExAC 0.00003; gnomAD 0.00013; TOPMed 0.00015.
gnomAD v4.1: 38 of 1,613,246 alleles (0.0024%); highest among the groups gnomAD compares: African/African-American, 0.043%; no homozygotes.

Submissions (4):

Women's Health and Genetics/Laboratory Corporation of America, LabCorp
Classification: Uncertain significance. Last evaluated: 2025-10-13. Review status: criteria provided, single submitter. Criteria: LabCorp Variant Classification Summary - May 2015. Collection method: clinical testing. Allele origin: germline.
Comment: Variant summary: CACNB4 c.1355G>A (p.Arg452Lys) results in a conservative amino acid change in the encoded protein sequence. Algorithms developed to predict the effect of missense changes on protein structure and function are either unavailable or do not agree on the potential impact of this missense change. The variant allele was found at a frequency of 3.6e-05 in 248532 control chromosomes. The available data on variant occurrences in the general population are insufficient to allow any conclusion about variant significance. To our knowledge, no occurrence of c.1355G>A in individuals affected with CACNB4-related conditions and no experimental evidence demonstrating its impact on protein function have been reported. ClinVar contains an entry for this variant (Variation ID: 204935). Based on the evidence outlined above, the variant was classified as uncertain significance.

Labcorp Genetics (formerly Invitae), Labcorp
Classification: Uncertain significance for Idiopathic generalized epilepsy. Last evaluated: 2020-08-27. Review status: criteria provided, single submitter. Criteria: Invitae Variant Classification Sherloc (09022015). Collection method: clinical testing. Allele origin: germline.
Comment: Algorithms developed to predict the effect of missense changes on protein structure and function (SIFT, PolyPhen-2, Align-GVGD) all suggest that this variant is likely to be tolerated, but these predictions have not been confirmed by published functional studies and their clinical significance is uncertain. This variant has not been reported in the literature in individuals with CACNB4-related conditions. This variant is present in population databases (rs762394421, ExAC 0.03%). This sequence change replaces arginine with lysine at codon 452 of the CACNB4 protein (p.Arg452Lys). The arginine residue is moderately conserved and there is a small physicochemical difference between arginine and lysine. In summary, the available evidence is currently insufficient to determine the role of this variant in disease. Therefore, it has been classified as a Variant of Uncertain Significance.

Athena Diagnostics
Classification: Likely benign. Last evaluated: 2019-02-05. Review status: criteria provided, single submitter. Criteria: Athena Diagnostics Criteria. Collection method: clinical testing. Allele origin: germline.

GeneDx
Classification: Uncertain significance. Last evaluated: 2015-09-24. Review status: criteria provided, single submitter. Criteria: GeneDx Variant Classification (06012015). Collection method: clinical testing. Allele origin: germline. Affected: yes.
Comment: p.Arg452Lys (AGA>AAA): c.1355 G>A in exon 14 of the CACNB4 gene (NM_000726.2). The R452K variant has not been published as a mutation, nor has it been reported as a benign polymorphism to our knowledge. It was not observed in approximately 6,300 individuals of European and African American ancestry in the NHLBI Exome Sequencing Project, indicating it is not a common benign variant in these populations. The R452K variant alters a highly conserved position in the CACNB4 protein. However, the amino acid substitution is conservative, which is not likely to impact secondary protein structure as these residues share similar properties and in silico analysis is inconsistent in its predictions as to whether or not the variant is damaging to the protein structure/function. Therefore, based on the currently available information, it is unclear whether this variant is a pathogenic mutation or a rare benign variant.The variant is found in EPILEPSY panel(s).